The following is an entry in ClinVar:

ClinVar aggregate classification (germline): Uncertain significance. Review status: criteria provided, multiple submitters, no conflicts (2 of 4 stars). 4 submissions from 4 submitters: Uncertain significance (4). Last evaluated 2023-12-28.

Conditions:
Autosomal recessive limb-girdle muscular dystrophy type 2O. Also called: Limb-Girdle Muscular Dystrophy Type 3C; MUSCULAR DYSTROPHY-DYSTROGLYCANOPATHY (LIMB-GIRDLE), TYPE C, 3; MUSCULAR DYSTROPHY-DYSTROGLYCANOPATHY, LIMB-GIRDLE, POMGNT1-RELATED. Identifiers: Orphanet 206564, MedGen C3150417, MONDO:0013161, OMIM 613157.
Muscular dystrophy-dystroglycanopathy (congenital with impaired intellectual development), type B, 3. Also called: MUSCULAR DYSTROPHY, CONGENITAL, POMGNT1-RELATED; Muscular dystrophy-dystroglycanopathy (congenital with intellectual disability), type B3. Identifiers: MedGen C3150412, MONDO:0013155, OMIM 613151.
Inborn genetic diseases. Identifiers: MedGen C0950123, MeSH D030342.

Allele frequency attached by ClinVar (database versions not stated): ExAC 0.00004; gnomAD exomes 0.00002; gnomAD 0.00007; ESP Exome Variant Server 0.00008.
gnomAD v4.1: 49 of 1,613,970 alleles (0.003%); highest among the groups gnomAD compares: African/African-American, 0.015%; no homozygotes.

Submissions (4):

Ambry Genetics
Classification: Uncertain significance for Inborn genetic diseases. Last evaluated: 2023-12-28. Review status: criteria provided, single submitter. Criteria: Ambry Variant Classification Scheme 2023. Collection method: clinical testing. Allele origin: germline.

Blueprint Genetics
Classification: Uncertain significance. Last evaluated: 2023-07-25. Review status: criteria provided, single submitter. Criteria: ACMG Guidelines, 2015. Collection method: clinical testing. Allele origin: germline.

Labcorp Genetics (formerly Invitae), Labcorp
Classification: Uncertain significance for Autosomal recessive limb-girdle muscular dystrophy type 2O; Muscular dystrophy-dystroglycanopathy (congenital with impaired intellectual development), type B, 3. Last evaluated: 2022-09-14. Review status: criteria provided, single submitter. Criteria: Invitae Variant Classification Sherloc (09022015). Collection method: clinical testing. Allele origin: germline.
Comment: This sequence change replaces valine, which is neutral and non-polar, with methionine, which is neutral and non-polar, at codon 576 of the POMGNT1 protein (p.Val576Met). This variant is present in population databases (rs142895576, gnomAD 0.04%). This variant has not been reported in the literature in individuals affected with POMGNT1-related conditions. Advanced modeling of protein sequence and biophysical properties (such as structural, functional, and spatial information, amino acid conservation, physicochemical variation, residue mobility, and thermodynamic stability) has been performed at Invitae for this missense variant, however the output from this modeling did not meet the statistical confidence thresholds required to predict the impact of this variant on POMGNT1 protein function. In summary, the available evidence is currently insufficient to determine the role of this variant in disease. Therefore, it has been classified as a Variant of Uncertain Significance.

Revvity Omics, Revvity
Classification: Uncertain significance. Last evaluated: 2019-06-18. Review status: criteria provided, single submitter. Criteria: ACMG Guidelines, 2015. Collection method: clinical testing. Allele origin: germline.

NM_017739.4(POMGNT1):c.1726G>A (p.Val576Met)

Genes: POMGNT1 (protein O-linked mannose N-acetylglucosaminyltransferase 1 (beta 1,2-); minus strand), TSPAN1 (tetraspanin 1; plus strand). Cytogenetic location: 1p34.1.
Variant type: single nucleotide variant.
Coding change: c.1726G>A on transcript NM_017739.4 (MANE Select); coding-DNA position 1726, G replaced by A.
Protein change: p.Val576Met; replaces valine 576 with methionine.
Molecular consequence: missense variant.
Genome position (GRCh38, 1-based): chr1:46,189,913, C>T on the plus strand (G>A on the coding strand, the complement: POMGNT1 is on the minus strand). VCF-style: chr1-46189913-C-T. GRCh37 (hg19) VCF-style: chr1-46655585-C-T.
Other names: c.1726G>A, p.Val576Met (NM_001243766.2, NM_001410783.1); c.1660G>A, p.Val554Met (NM_001290129.3); c.1297G>A, p.Val433Met (NM_001290130.2); short protein forms V433M, V554M, V576M.
Identifiers: ClinVar variation 2043030 (VCV002043030.6), dbSNP rs142895576, ClinGen allele CA833256.